The following is an entry in ClinVar:

NM_133259.4(LRPPRC):c.38G>C (p.Arg13Pro)

Gene: LRPPRC (leucine rich pentatricopeptide repeat containing; minus strand). Cytogenetic location: 2p21.
Variant type: single nucleotide variant.
Coding change: c.38G>C on transcript NM_133259.4 (MANE Select); coding-DNA position 38, G replaced by C.
Protein change: p.Arg13Pro; replaces arginine 13 with proline.
Molecular consequence: missense variant.
Genome position (GRCh38, 1-based): chr2:43,995,910, C>G on the plus strand (G>C on the coding strand, the complement: LRPPRC is on the minus strand). VCF-style: chr2-43995910-C-G. GRCh37 (hg19) VCF-style: chr2-44223049-C-G.
Other names: short protein forms R13P.
Identifiers: ClinVar variation 2132062 (VCV002132062.1), dbSNP rs1300632190, ClinGen allele CA346679303.
Genomic context (GRCh38, chr2:43,995,910, plus strand): 5'-CGGCCCGGGCCGCCAGGGAGGAGGCGCAGGGAGAGCGGGAGGCGCGGGGCCGCCCCGGCA[C>G]GCAGCAACCAACGCGCGGATCTCAGCAGGGCTGCCATTGCTCGAACGTCCCCGCAGCGGG-3'
Protein context (NP_573566.2, residues 3-23): ALLRSARWLL[Arg13Pro]AGAAPRLPLS

ClinVar aggregate classification (germline): Uncertain significance (1 of 4 stars; one submission).

gnomAD v4.1: 2 of 1,516,316 alleles (0.00013%); highest among the groups gnomAD compares: Non-Finnish European, 0.00018%; no homozygotes.

Submission:

Labcorp Genetics (formerly Invitae), Labcorp
Classification: Uncertain significance. Last evaluated: 2022-05-03. Review status: criteria provided, single submitter. Criteria: Invitae Variant Classification Sherloc (09022015). Collection method: clinical testing. Allele origin: germline.
Comment: This sequence change replaces arginine, which is basic and polar, with proline, which is neutral and non-polar, at codon 13 of the LRPPRC protein (p.Arg13Pro). This variant is present in population databases (no rsID available, gnomAD 0.003%). This variant has not been reported in the literature in individuals affected with LRPPRC-related conditions. Algorithms developed to predict the effect of missense changes on protein structure and function are either unavailable or do not agree on the potential impact of this missense change (SIFT: "Tolerated"; PolyPhen-2: "Not Available"; Align-GVGD: "Class C0"). In summary, the available evidence is currently insufficient to determine the role of this variant in disease. Therefore, it has been classified as a Variant of Uncertain Significance.